The following is an entry in ClinVar:

NM_000181.4(GUSB):c.17C>A (p.Ala6Glu)

Gene: GUSB (glucuronidase beta; minus strand). Cytogenetic location: 7q11.21.
Variant type: single nucleotide variant.
Coding change: c.17C>A on transcript NM_000181.4 (MANE Select); coding-DNA position 17, C replaced by A.
Protein change: p.Ala6Glu; replaces alanine 6 with glutamic acid.
Molecular consequence: missense variant. On other transcripts: 5 prime UTR variant (2), non-coding transcript variant (1).
Genome position (GRCh38, 1-based): chr7:65,982,167, G>T on the plus strand (C>A on the coding strand, the complement: GUSB is on the minus strand). VCF-style: chr7-65982167-G-T. GRCh37 (hg19) VCF-style: chr7-65447154-G-T.
Other names: c.17C>A, p.Ala6Glu (NM_001284290.2); c.-369C>A (NM_001293104.2); c.-313C>A (NM_001293105.2); short protein forms A6E.
Identifiers: ClinVar variation 2196793 (VCV002196793.1), dbSNP rs945192107, ClinGen allele CA159911335.

ClinVar aggregate classification (germline): Uncertain significance (1 of 4 stars; one submission).

Conditions:
Mucopolysaccharidosis type 7 (MPS7). Also called: MPS VII; SLY SYNDROME; BETA-GLUCURONIDASE DEFICIENCY; GUSB DEFICIENCY. Identifiers: Orphanet 584, MedGen C0085132, MONDO:0009662, OMIM 253220.

Allele frequency attached by ClinVar (database versions not stated): TOPMed 0.00001.
gnomAD v4.1: 11 of 1,515,468 alleles (0.00073%); highest among the groups gnomAD compares: East Asian, 0.018%; no homozygotes.

Submission:

Labcorp Genetics (formerly Invitae), Labcorp
Classification: Uncertain significance for Mucopolysaccharidosis type 7. Last evaluated: 2022-04-24. Review status: criteria provided, single submitter. Criteria: Invitae Variant Classification Sherloc (09022015). Collection method: clinical testing. Allele origin: germline.
Comment: This sequence change replaces alanine, which is neutral and non-polar, with glutamic acid, which is acidic and polar, at codon 6 of the GUSB protein (p.Ala6Glu). This variant is present in population databases (no rsID available, gnomAD 0.05%). This variant has not been reported in the literature in individuals affected with GUSB-related conditions. Algorithms developed to predict the effect of missense changes on protein structure and function (SIFT, PolyPhen-2, Align-GVGD) all suggest that this variant is likely to be tolerated. In summary, the available evidence is currently insufficient to determine the role of this variant in disease. Therefore, it has been classified as a Variant of Uncertain Significance.